The following is an entry in ClinVar:

NM_000466.3(PEX1):c.2645C>T (p.Pro882Leu)

Gene: PEX1 (peroxisomal biogenesis factor 1; minus strand). Cytogenetic location: 7q21.2.
Variant type: single nucleotide variant.
Coding change: c.2645C>T on transcript NM_000466.3 (MANE Select); coding-DNA position 2645, C replaced by T.
Protein change: p.Pro882Leu; replaces proline 882 with leucine.
Molecular consequence: missense variant.
Genome position (GRCh38, 1-based): chr7:92,499,777, G>A on the plus strand (C>T on the coding strand, the complement: PEX1 is on the minus strand). VCF-style: chr7-92499777-G-A. GRCh37 (hg19) VCF-style: chr7-92129091-G-A.
Other names: c.2474C>T, p.Pro825Leu (NM_001282677.2); c.2021C>T, p.Pro674Leu (NM_001282678.2); short protein forms P882L, P825L, P674L.
Identifiers: ClinVar variation 194604 (VCV000194604.17), dbSNP rs141764012, ClinGen allele CA240669.

ClinVar aggregate classification (germline): Conflicting classifications of pathogenicity. Review status: criteria provided, conflicting classifications (1 of 4 stars). 3 submissions from 3 submitters: Uncertain significance (1); Likely benign (1). 1 of the submissions does not count toward it. Last evaluated 2026-01-20.

Conditions:
PEX1-related disorder. Also called: PEX1-related condition.
Zellweger spectrum disorders (ZS). Also called: Zellweger syndrome; Zellweger Spectrum Disorder; Zellweger Spectrum; Zellweger Spectrum Disorder (ZSD). Identifiers: Orphanet 912, MedGen C0043459, MONDO:0019609.

Allele frequency attached by ClinVar (database versions not stated): gnomAD exomes 0.00007 and 0.00018; ExAC 0.00018; ESP Exome Variant Server 0.00046; 1000 Genomes Project 30x 0.00047; 1000 Genomes Project 0.00060; gnomAD 0.00064 and 0.00066; TOPMed 0.00076.
gnomAD v4.1: 199 of 1,612,090 alleles (0.012%); highest among the groups gnomAD compares: African/African-American, 0.21%; 2 homozygotes.

Submissions (3):

Labcorp Genetics (formerly Invitae), Labcorp
Classification: Likely benign for Zellweger spectrum disorders. Last evaluated: 2026-01-20. Review status: criteria provided, single submitter. Criteria: Invitae Variant Classification Sherloc (09022015). Collection method: clinical testing. Allele origin: germline.

Eurofins Ntd Llc (ga)
Classification: Uncertain significance. Last evaluated: 2017-09-29. Review status: criteria provided, single submitter. Criteria: EGL Classification Definitions 2015. Collection method: clinical testing. Allele origin: germline. Observed: 2 variant alleles, 2 heterozygotes.

PreventionGenetics, part of Exact Sciences
Classification: Likely benign for PEX1-related condition. Last evaluated: 2022-02-08. Review status: no assertion criteria provided. Collection method: clinical testing. Allele origin: germline. Not counted in ClinVar's aggregate classification.
Comment: This variant is classified as likely benign based on ACMG/AMP sequence variant interpretation guidelines (Richards et al. 2015 PMID: 25741868, with internal and published modifications).